The following is an entry in ClinVar:

ClinVar aggregate classification (germline): Conflicting classifications of pathogenicity. Review status: criteria provided, conflicting classifications (1 of 4 stars). 2 submissions from 2 submitters: Pathogenic (1); Uncertain significance (1). Last evaluated 2019-06-17.

Conditions:
Neurodevelopmental disorder with dysmorphic facies and distal limb anomalies. Identifiers: Orphanet 686482, MedGen C4540327, MONDO:0060596, OMIM 617755.

Allele frequency attached by ClinVar (database versions not stated): gnomAD exomes below 0.00001.
gnomAD v4.1: 1 of 1,603,606 alleles (0.000062%); highest among the groups gnomAD compares: Non-Finnish European, 0.000085%; no homozygotes.

Submissions (2):

Rady Children's Institute for Genomic Medicine, Rady Children's Hospital San Diego
Classification: Pathogenic for Neurodevelopmental disorder with dysmorphic facies and distal limb anomalies. Last evaluated: 2019-06-17. Review status: criteria provided, single submitter. Criteria: ACMG Guidelines, 2015. Collection method: clinical testing. Allele origin: germline. Affected: yes.
Comment: This variant affects the canonical splice acceptor site of intron 24 of 27 and is therefore predicted to interfere with splicing and result in loss of normal protein function. This variant has not been previously reported or functionally characterized in the literature to our knowledge. The BPTF gene is intolerant to loss of function variants (pLI= 1.0). It is absent from the ExAC and gnomAD population databases and thus is presumed to be rare. Multiple splice prediction tools suggest this variant is likely to interfere with normal splicing. Based on the available evidence, the c.8262-2A>G variant is classified as Pathogenic.

GeneDx
Classification: Uncertain significance. Last evaluated: 2016-11-30. Review status: criteria provided, single submitter. Criteria: GeneDx Variant Classification (06012015). Collection method: clinical testing. Allele origin: germline. Affected: yes.
Comment: The c.8211-2A>G variant in the BPTF gene has not been reported previously as a pathogenic variant nor as a benign variant, to our knowledge. However, other de novo variants in the BPTF gene have been observed in individuals referred for XomeDx analysis with similar clinical findings. This splice site variant destroys the canonical splice acceptor site in intron 26. It is predicted to cause abnormal gene splicing, either leading to an abnormal message that is subject to nonsense-mediated mRNA decay, or to an abnormal protein product if the message is used for protein translation. The c.8211-2A>G variant was not observed in approximately 6500 individuals of European and African American ancestry in the NHLBI Exome Sequencing Project, indicating it is not a common benign variant in these populations. We interpret c.8211-2A>G as a variant of uncertain significance.

NM_182641.4(BPTF):c.8262-2A>G

Gene: BPTF (bromodomain PHD finger transcription factor; plus strand). Cytogenetic location: 17q24.2.
Variant type: single nucleotide variant.
Coding change: c.8262-2A>G on transcript NM_182641.4 (MANE Select); the canonical splice acceptor site of the intron before coding-DNA position 8262, A replaced by G.
Molecular consequence: splice acceptor variant.
Genome position (GRCh38, 1-based): chr17:67,964,210, A>G. VCF-style: chr17-67964210-A-G. GRCh37 (hg19) VCF-style: chr17-65960326-A-G.
Other names: c.8211-2A>G (NM_004459.7).
Identifiers: ClinVar variation 373330 (VCV000373330.2), dbSNP rs1057518354, ClinGen allele CA16042997.